The following is an entry in ClinVar:

NM_022437.3(ABCG8):c.1007T>C (p.Leu336Ser)

Gene: ABCG8 (ATP binding cassette subfamily G member 8; plus strand). Cytogenetic location: 2p21.
Variant type: single nucleotide variant.
Coding change: c.1007T>C on transcript NM_022437.3 (MANE Select); coding-DNA position 1007, T replaced by C.
Protein change: p.Leu336Ser; replaces leucine 336 with serine.
Molecular consequence: missense variant.
Genome position (GRCh38, 1-based): chr2:43,872,018, T>C. VCF-style: chr2-43872018-T-C. GRCh37 (hg19) VCF-style: chr2-44099157-T-C.
Other names: c.1007T>C (NM_022437.2); c.1007T>C, p.Leu336Ser (NM_001357321.2); short protein forms L336S.
Identifiers: ClinVar variation 2055835 (VCV002055835.4), dbSNP rs1256049950, ClinGen allele CA346668794.

ClinVar aggregate classification (germline): Uncertain significance. Review status: criteria provided, multiple submitters, no conflicts (2 of 4 stars). 4 submissions from 4 submitters: Uncertain significance (4). Last evaluated 2025-11-11.

Conditions:
Cardiovascular phenotype. Identifiers: MedGen CN230736.
ABCG8-related disorder. Also called: ABCG8-related condition.
Sitosterolemia 1. Identifiers: MedGen C2749759, MONDO:0020747, OMIM 210250.

Allele frequency attached by ClinVar (database versions not stated): gnomAD 0.00001; gnomAD exomes 0.00001; TOPMed 0.00002.
gnomAD v4.1: 8 of 1,613,978 alleles (0.0005%); highest among the groups gnomAD compares: Admixed American, 0.013%; no homozygotes.

Submissions (4):

Ambry Genetics
Classification: Uncertain significance for Cardiovascular phenotype. Last evaluated: 2025-11-11. Review status: criteria provided, single submitter. Criteria: Ambry Variant Classification Scheme 2023. Collection method: clinical testing. Allele origin: germline.

PreventionGenetics, part of Exact Sciences
Classification: Uncertain significance for ABCG8-related condition. Last evaluated: 2024-11-06. Review status: criteria provided, single submitter. Criteria: ACMG Guidelines, 2015. Collection method: clinical testing. Allele origin: germline.
Comment: The ABCG8 c.1007T>C variant is predicted to result in the amino acid substitution p.Leu336Ser. To our knowledge, this variant has not been reported in the literature. This variant is reported in 0.014% of alleles in individuals of Latino descent in gnomAD. At this time, the clinical significance of this variant is uncertain due to the absence of conclusive functional and genetic evidence.

Revvity Omics, Revvity
Classification: Uncertain significance for Sitosterolemia 1. Last evaluated: 2024-09-03. Review status: criteria provided, single submitter. Criteria: ACMG Guidelines, 2015. Collection method: clinical testing. Allele origin: germline.

Labcorp Genetics (formerly Invitae), Labcorp
Classification: Uncertain significance. Last evaluated: 2022-05-30. Review status: criteria provided, single submitter. Criteria: Invitae Variant Classification Sherloc (09022015). Collection method: clinical testing. Allele origin: germline.
Comment: This sequence change replaces leucine, which is neutral and non-polar, with serine, which is neutral and polar, at codon 336 of the ABCG8 protein (p.Leu336Ser). This variant is present in population databases (no rsID available, gnomAD 0.01%). This variant has not been reported in the literature in individuals affected with ABCG8-related conditions. Algorithms developed to predict the effect of missense changes on protein structure and function are either unavailable or do not agree on the potential impact of this missense change (SIFT: "Deleterious"; PolyPhen-2: "Benign"; Align-GVGD: "Class C0"). In summary, the available evidence is currently insufficient to determine the role of this variant in disease. Therefore, it has been classified as a Variant of Uncertain Significance.